The following is an entry in ClinVar:

NM_014014.5(SNRNP200):c.3154A>C (p.Ile1052Leu)

Gene: SNRNP200 (small nuclear ribonucleoprotein U5 subunit 200; minus strand). Cytogenetic location: 2q11.2.
Variant type: single nucleotide variant.
Coding change: c.3154A>C on transcript NM_014014.5 (MANE Select); coding-DNA position 3154, A replaced by C.
Protein change: p.Ile1052Leu; replaces isoleucine 1052 with leucine.
Molecular consequence: missense variant.
Genome position (GRCh38, 1-based): chr2:96,289,057, T>G on the plus strand (A>C on the coding strand, the complement: SNRNP200 is on the minus strand). VCF-style: chr2-96289057-T-G. GRCh37 (hg19) VCF-style: chr2-96954795-T-G.
Other names: short protein forms I1052L.
Identifiers: ClinVar variation 2754426 (VCV002754426.4), dbSNP rs1456669615, ClinGen allele CA347673789.

ClinVar aggregate classification (germline): Uncertain significance. Review status: criteria provided, multiple submitters, no conflicts (2 of 4 stars). 2 submissions from 2 submitters: Uncertain significance (2). Last evaluated 2023-08-22.

Allele frequency attached by ClinVar (database versions not stated): gnomAD exomes below 0.00001; TOPMed 0.00002; gnomAD 0.00003.
gnomAD v4.1: 7 of 1,612,608 alleles (0.00043%); highest among the groups gnomAD compares: African/African-American, 0.0093%; no homozygotes.

Submissions (2):

Labcorp Genetics (formerly Invitae), Labcorp
Classification: Uncertain significance. Last evaluated: 2023-08-22. Review status: criteria provided, single submitter. Criteria: Invitae Variant Classification Sherloc (09022015). Collection method: clinical testing. Allele origin: germline.
Comment: In summary, the available evidence is currently insufficient to determine the role of this variant in disease. Therefore, it has been classified as a Variant of Uncertain Significance. Advanced modeling of protein sequence and biophysical properties (such as structural, functional, and spatial information, amino acid conservation, physicochemical variation, residue mobility, and thermodynamic stability) performed at Invitae indicates that this missense variant is not expected to disrupt SNRNP200 protein function. This variant has not been reported in the literature in individuals affected with SNRNP200-related conditions. This variant is not present in population databases (gnomAD no frequency). This sequence change replaces isoleucine, which is neutral and non-polar, with leucine, which is neutral and non-polar, at codon 1052 of the SNRNP200 protein (p.Ile1052Leu).

Blueprint Genetics
Classification: Uncertain significance. Last evaluated: 2017-09-08. Review status: criteria provided, single submitter. Criteria: ACMG Guidelines, 2015. Collection method: clinical testing. Allele origin: germline.